The following is an entry in ClinVar:

ClinVar aggregate classification (germline): Uncertain significance (1 of 4 stars; one submission).

Conditions:
Gorlin syndrome. Also called: Basal cell nevus syndrome; Nevoid Basal Cell Carcinoma Syndrome. Identifiers: Orphanet 377, MedGen C0004779, MONDO:0007187.

Submission:

Labcorp Genetics (formerly Invitae), Labcorp
Classification: Uncertain significance for Gorlin syndrome. Last evaluated: 2021-07-03. Review status: criteria provided, single submitter. Criteria: Invitae Variant Classification Sherloc (09022015). Collection method: clinical testing. Allele origin: germline.
Comment: In summary, the available evidence is currently insufficient to determine the role of this variant in disease. Therefore, it has been classified as a Variant of Uncertain Significance. Advanced modeling of protein sequence and biophysical properties (such as structural, functional, and spatial information, amino acid conservation, physicochemical variation, residue mobility, and thermodynamic stability) performed at Invitae indicates that this missense variant is not expected to disrupt PTCH1 protein function. This variant has not been reported in the literature in individuals affected with PTCH1-related conditions. The frequency data for this variant in the population databases is considered unreliable, as metrics indicate insufficient coverage at this position in the ExAC database. This sequence change replaces serine with threonine at codon 3 of the PTCH1 protein (p.Ser3Thr). The serine residue is weakly conserved and there is a small physicochemical difference between serine and threonine.

NM_000264.5(PTCH1):c.7T>A (p.Ser3Thr)

Genes: PTCH1 (patched 1; minus strand), LOC130002133 (ATAC-STARR-seq lymphoblastoid silent region 20071; plus strand). Cytogenetic location: 9q22.32.
Variant type: single nucleotide variant.
Coding change: c.7T>A on transcript NM_000264.5 (MANE Select); coding-DNA position 7, T replaced by A.
Protein change: p.Ser3Thr; replaces serine 3 with threonine.
Molecular consequence: missense variant. On other transcripts: intron variant (3), non-coding transcript variant (1).
Genome position (GRCh38, 1-based): chr9:95,508,355, A>T on the plus strand (T>A on the coding strand, the complement: PTCH1 is on the minus strand). VCF-style: chr9-95508355-A-T. GRCh37 (hg19) VCF-style: chr9-98270637-A-T.
Other names: c.4-1756T>A (NM_001354919.2, NM_001083602.3); c.7T>A, p.Ser3Thr (NM_001354918.2); c.199-1756T>A (NM_001083603.3); short protein forms S3T.
Identifiers: ClinVar variation 1365613 (VCV001365613.8), dbSNP rs2118910766, ClinGen allele CA374121782.